The following is an entry in ClinVar:

ClinVar aggregate classification (germline): Uncertain significance. Review status: criteria provided, multiple submitters, no conflicts (2 of 4 stars). 2 submissions from 2 submitters: Uncertain significance (2). Last evaluated 2026-09-15.

Conditions:
SCN11A-related disorder. Also called: SCN11A-related condition.
Hereditary sensory and autonomic neuropathy type 7. Also called: Neuropathy, hereditary sensory and autonomic, type VII; HSAN VII. Identifiers: Orphanet 391397, MedGen C3809882, MONDO:0014244, OMIM 615548.
Familial episodic pain syndrome with predominantly lower limb involvement. Also called: Episodic pain syndrome, familial, 3. Identifiers: Orphanet 391384, Orphanet 391392, MedGen C3809899, MONDO:0014247, OMIM 615552.

Allele frequency attached by ClinVar (database versions not stated): ExAC 0.00003; gnomAD 0.00005 and 0.00006; gnomAD exomes 0.00006; TOPMed 0.00006; ESP Exome Variant Server 0.00008.
gnomAD v4.1: 68 of 1,614,080 alleles (0.0042%); highest among the groups gnomAD compares: Admixed American, 0.018%; no homozygotes.

Submissions (2):

PreventionGenetics, part of Exact Sciences
Classification: Uncertain significance for SCN11A-related condition. Last evaluated: 2026-09-15. Review status: criteria provided, single submitter. Criteria: ACMG Guidelines, 2015. Collection method: clinical testing. Allele origin: germline.
Comment: The SCN11A c.2641A>G variant is predicted to result in the amino acid substitution p.Ile881Val. This variant was reported in one individual with Brugada syndrome (Supplemental Table 2 in Di Resta et al. 2015. PubMed ID: 26220970). This variant is reported in 0.023% of alleles in individuals of Latino descent in gnomAD which is more frequent than expected for causative variants in this gene. Although we suspect that this variant may be benign, at this time, the clinical significance of this variant is uncertain due to the absence of conclusive functional and genetic evidence.

Labcorp Genetics (formerly Invitae), Labcorp
Classification: Uncertain significance for Familial episodic pain syndrome with predominantly lower limb involvement; Hereditary sensory and autonomic neuropathy type 7. Last evaluated: 2025-09-03. Review status: criteria provided, single submitter. Criteria: Invitae Variant Classification Sherloc (09022015). Collection method: clinical testing. Allele origin: germline.
Comment: This sequence change replaces isoleucine, which is neutral and non-polar, with valine, which is neutral and non-polar, at codon 881 of the SCN11A protein (p.Ile881Val). This variant is present in population databases (rs376275036, gnomAD 0.02%). This missense change has been observed in individual(s) with clinical features of Brugada syndrome (PMID: 26220970). ClinVar contains an entry for this variant (Variation ID: 541562). An algorithm developed to predict the effect of missense changes on protein structure and function (PolyPhen-2) suggests that this variant is likely to be tolerated. In summary, the available evidence is currently insufficient to determine the role of this variant in disease. Therefore, it has been classified as a Variant of Uncertain Significance.

Literature cited by the submitters: PubMed 26220970 (cited by Labcorp Genetics (formerly Invitae), Labcorp).

NM_001349253.2(SCN11A):c.2641A>G (p.Ile881Val)

Gene: SCN11A (sodium voltage-gated channel alpha subunit 11; minus strand). Cytogenetic location: 3p22.2.
Variant type: single nucleotide variant.
Coding change: c.2641A>G on transcript NM_001349253.2 (MANE Select); coding-DNA position 2641, A replaced by G.
Protein change: p.Ile881Val; replaces isoleucine 881 with valine.
Molecular consequence: missense variant.
Genome position (GRCh38, 1-based): chr3:38,894,727, T>C on the plus strand (A>G on the coding strand, the complement: SCN11A is on the minus strand). VCF-style: chr3-38894727-T-C. GRCh37 (hg19) VCF-style: chr3-38936218-T-C.
Other names: c.2641A>G, p.Ile881Val (NM_014139.3); short protein forms I881V.
Identifiers: ClinVar variation 541562 (VCV000541562.6), dbSNP rs376275036, ClinGen allele CA2322003.